The following is an entry in ClinVar:

ClinVar aggregate classification (germline): Uncertain significance (1 of 4 stars; one submission).

Conditions:
Cardiovascular phenotype. Identifiers: MedGen CN230736.

Submission:

Ambry Genetics
Classification: Uncertain significance for Cardiovascular phenotype. Last evaluated: 2026-07-02. Review status: criteria provided, single submitter. Criteria: Ambry Variant Classification Scheme 2023. Collection method: clinical testing. Allele origin: germline.
Comment: The p.P504Q variant (also known as c.1511C>A), located in coding exon 12 of the APOB gene, results from a C to A substitution at nucleotide position 1511. The proline at codon 504 is replaced by glutamine, an amino acid with similar properties. This amino acid position is conserved. In addition, this alteration is predicted to be tolerated by in silico analysis. Based on the available evidence, the clinical significance of this variant remains unclear.

NM_000384.3(APOB):c.1511C>A (p.Pro504Gln)

Gene: APOB (apolipoprotein B; minus strand). Cytogenetic location: 2p24.1.
Variant type: single nucleotide variant.
Coding change: c.1511C>A on transcript NM_000384.3 (MANE Select); coding-DNA position 1511, C replaced by A.
Protein change: p.Pro504Gln; replaces proline 504 with glutamine.
Molecular consequence: missense variant.
Genome position (GRCh38, 1-based): chr2:21,029,745, G>T on the plus strand (C>A on the coding strand, the complement: APOB is on the minus strand). VCF-style: chr2-21029745-G-T. GRCh37 (hg19) VCF-style: chr2-21252617-G-T.
Other names: short protein forms P504Q.
Identifiers: ClinVar variation 5027278 (VCV005027278.1).
Genomic context (GRCh38, chr2:21,029,745, plus strand): 5'-TGGATCATCAGTGATGGCTTTGTACTTTGGACACATTTCAGGATTGAAGACTTGAGTTCT[G>T]GAGTTAACTGCTCCATGGTTTGGCCCATATTTCCAATGACCTGCATTGAAGAAAAGAAAC-3'
Protein context (NP_000375.3, residues 494-514): NMGQTMEQLT[Pro504Gln]ELKSSILKCV